The following is an entry in ClinVar:

ClinVar aggregate classification (germline): Likely pathogenic (1 of 4 stars; one submission).

Conditions:
Deficiency of isobutyryl-CoA dehydrogenase. Also called: ACAD8 DEFICIENCY; IBD DEFICIENCY; ACYL-CoA DEHYDROGENASE FAMILY, MEMBER 8, DEFICIENCY OF. Identifiers: Orphanet 79159, MedGen C1969809, MONDO:0012648, OMIM 611283.

Allele frequency attached by ClinVar (database versions not stated): gnomAD 0.00001; gnomAD exomes 0.00001; TOPMed 0.00001; ExAC 0.00002.

Submission:

Labcorp Genetics (formerly Invitae), Labcorp
Classification: Likely pathogenic for Deficiency of isobutyryl-CoA dehydrogenase. Last evaluated: 2023-10-13. Review status: criteria provided, single submitter. Criteria: Invitae Variant Classification Sherloc (09022015). Collection method: clinical testing. Allele origin: germline.
Comment: This sequence change replaces arginine, which is basic and polar, with glutamine, which is neutral and polar, at codon 330 of the ACAD8 protein (p.Arg330Gln). This variant is present in population databases (rs752153225, gnomAD 0.006%). This missense change has been observed in individual(s) with clinical features of isobutyryl-CoA dehydrogenase deficiency (PMID: 34544473; Invitae). ClinVar contains an entry for this variant (Variation ID: 939292). Advanced modeling of protein sequence and biophysical properties (such as structural, functional, and spatial information, amino acid conservation, physicochemical variation, residue mobility, and thermodynamic stability) performed at Invitae indicates that this missense variant is not expected to disrupt ACAD8 protein function. This variant disrupts the p.Arg330 amino acid residue in ACAD8. Other variant(s) that disrupt this residue have been determined to be pathogenic (PMID: 17304052; Invitae). This suggests that this residue is clinically significant, and that variants that disrupt this residue are likely to be disease-causing. In summary, the currently available evidence indicates that the variant is pathogenic, but additional data are needed to prove that conclusively. Therefore, this variant has been classified as Likely Pathogenic.

Literature cited by the submitters: PubMed 34544473; PubMed 17304052.

NM_014384.3(ACAD8):c.989G>A (p.Arg330Gln)

Gene: ACAD8 (acyl-CoA dehydrogenase family member 8; plus strand). Cytogenetic location: 11q25.
Variant type: single nucleotide variant.
Coding change: c.989G>A on transcript NM_014384.3 (MANE Select); coding-DNA position 989, G replaced by A.
Protein change: p.Arg330Gln; replaces arginine 330 with glutamine.
Molecular consequence: missense variant.
Genome position (GRCh38, 1-based): chr11:134,261,787, G>A. VCF-style: chr11-134261787-G-A. GRCh37 (hg19) VCF-style: chr11-134131681-G-A.
Other names: short protein forms R330Q.
Identifiers: ClinVar variation 939292 (VCV000939292.8), dbSNP rs752153225, ClinGen allele CA6373189.